The following is an entry in ClinVar:

ClinVar aggregate classification (germline): Pathogenic (1 of 4 stars; one submission).

Conditions:
Aspartylglucosaminuria (AGU). Also called: AGA DEFICIENCY; GLYCOASPARAGINASE; GLYCOSYLASPARAGINASE DEFICIENCY; Aspartylglucos-aminuria; Aspartylglucos-amidase (AGA) deficiency. Identifiers: Orphanet 93, MedGen C0268225, MONDO:0008830, OMIM 208400, HP:0012068.

Submission:

Labcorp Genetics (formerly Invitae), Labcorp
Classification: Pathogenic for Aspartylglucosaminuria. Last evaluated: 2024-01-22. Review status: criteria provided, single submitter. Criteria: Invitae Variant Classification Sherloc (09022015). Collection method: clinical testing. Allele origin: unknown.
Comment: A gross deletion of the genomic region encompassing the full coding sequence of the AGA gene has been identified. Loss-of-function variants in AGA are known to be pathogenic (PMID: 7627186, 11309371). The boundaries of this event are unknown as they extend beyond the assayed region for this gene and therefore may encompass additional genes. This variant has not been reported in the literature in individuals affected with AGA-related conditions. For these reasons, this variant has been classified as Pathogenic.

Literature cited by the submitters: PubMed 7627186; PubMed 11309371.

NC_000004.11:g.(?_178352862)_(178363529_?)del

Gene: AGA (aspartylglucosaminidase; minus strand). Cytogenetic location: 4q34.3.
Variant type: Deletion.
Identifiers: ClinVar variation 3246598 (VCV003246598.1).